The following is an entry in ClinVar:

NM_001401501.2(MUC16):c.31302A>C (p.Ser10434=)

Gene: MUC16 (mucin 16, cell surface associated; minus strand). Cytogenetic location: 19p13.2.
Variant type: single nucleotide variant.
Coding change: c.31302A>C on transcript NM_001401501.2 (MANE Select); coding-DNA position 31302, A replaced by C.
Protein change: p.Ser10434=; no amino-acid change (serine 10434 retained).
Molecular consequence: synonymous variant.
Genome position (GRCh38, 1-based): chr19:8,945,588, T>G on the plus strand (A>C on the coding strand, the complement: MUC16 is on the minus strand). VCF-style: chr19-8945588-T-G. GRCh37 (hg19) VCF-style: chr19-9056264-T-G.
Other names: c.31728A>C, p.Ser10576= (NM_001414686.1); c.31182A>C, p.Ser10394= (NM_001414687.1, NM_024690.2).
Identifiers: ClinVar variation 3033738 (VCV003033738.2), dbSNP rs73495736, ClinGen allele CA9166962.

ClinVar aggregate classification (germline): Benign (0 of 4 stars; one submission).

Conditions:
MUC16-related disorder. Also called: MUC16-related condition.

Allele frequency attached by ClinVar (database versions not stated): gnomAD exomes 0.00058; ExAC 0.00171; gnomAD 0.00605; ESP Exome Variant Server 0.00639; 1000 Genomes Project 0.00679; TOPMed 0.00691; 1000 Genomes Project 30x 0.00734.

Submission:

PreventionGenetics, part of Exact Sciences
Classification: Benign for MUC16-related condition. Last evaluated: 2019-03-20. Review status: no assertion criteria provided. Collection method: clinical testing. Allele origin: germline.
Comment: This variant is classified as benign based on ACMG/AMP sequence variant interpretation guidelines (Richards et al. 2015 PMID: 25741868, with internal and published modifications).